The following is an entry in ClinVar:

ClinVar aggregate classification (germline): Conflicting classifications of pathogenicity. Review status: criteria provided, conflicting classifications (1 of 4 stars). 3 submissions from 3 submitters: Uncertain significance (1); Likely benign (2). Last evaluated 2026-01-06.

Conditions:
Gnathodiaphyseal dysplasia (GDD). Also called: OSTEOGENESIS IMPERFECTA WITH UNUSUAL SKELETAL LESIONS; GNATHODIAPHYSEAL SCLEROSIS. Identifiers: Orphanet 53697, MedGen C1833736, MONDO:0008151, OMIM 166260.
Autosomal recessive limb-girdle muscular dystrophy type 2L (LGMDR12). Also called: Limb-girdle muscular dystrophy, type 2L; MUSCULAR DYSTROPHY, LIMB-GIRDLE, AUTOSOMAL RECESSIVE 12; Limb-Girdle Muscular Dystrophy R12 Anoctamin-5-Related (LGMD-R12). Identifiers: Orphanet 206549, MedGen C1969785, MONDO:0012652, OMIM 611307.
ANO5-related disorder. Also called: ANO5-related disorders; ANO5-related condition. Identifiers: MedGen CN239193.

Allele frequency attached by ClinVar (database versions not stated): gnomAD exomes 0.00001 and 0.00004; ExAC 0.00007; gnomAD 0.00007; ESP Exome Variant Server 0.00008; TOPMed 0.00012; 1000 Genomes Project 0.00020; 1000 Genomes Project 30x 0.00031.
gnomAD v4.1: 26 of 1,613,570 alleles (0.0016%); highest among the groups gnomAD compares: African/African-American, 0.029%; no homozygotes.

Submissions (3):

PreventionGenetics, part of Exact Sciences
Classification: Likely benign for ANO5-related condition. Last evaluated: 2026-01-06. Review status: criteria provided, single submitter. Criteria: ACMG Guidelines, 2015. Collection method: clinical testing. Allele origin: germline.
Comment: This variant is classified as likely benign based on ACMG/AMP sequence variant interpretation guidelines (Richards et al. 2015 PMID: 25741868, with internal and published modifications).

Labcorp Genetics (formerly Invitae), Labcorp
Classification: Likely benign for Autosomal recessive limb-girdle muscular dystrophy type 2L; Gnathodiaphyseal dysplasia. Last evaluated: 2025-03-25. Review status: criteria provided, single submitter. Criteria: Invitae Variant Classification Sherloc (09022015). Collection method: clinical testing. Allele origin: germline.

Athena Diagnostics
Classification: Uncertain significance. Last evaluated: 2020-09-16. Review status: criteria provided, single submitter. Criteria: Athena Diagnostics criteria. Collection method: clinical testing. Allele origin: unknown.

NM_213599.3(ANO5):c.570A>G (p.Gln190=)

Gene: ANO5 (anoctamin 5; plus strand). Cytogenetic location: 11p14.3.
Variant type: single nucleotide variant.
Coding change: c.570A>G on transcript NM_213599.3 (MANE Select); coding-DNA position 570, A replaced by G.
Protein change: p.Gln190=; no amino-acid change (glutamine 190 retained).
Molecular consequence: synonymous variant.
Genome position (GRCh38, 1-based): chr11:22,227,508, A>G. VCF-style: chr11-22227508-A-G. GRCh37 (hg19) VCF-style: chr11-22249054-A-G.
Other names: c.567A>G, p.Gln189= (NM_001142649.2).
Identifiers: ClinVar variation 941871 (VCV000941871.10), dbSNP rs144159801, ClinGen allele CA5922948.